The following is an entry in ClinVar:

NM_177924.5(ASAH1):c.263T>G (p.Val88Gly)

Gene: ASAH1 (N-acylsphingosine amidohydrolase 1; minus strand). Cytogenetic location: 8p22.
Variant type: single nucleotide variant.
Coding change: c.263T>G on transcript NM_177924.5 (MANE Select); coding-DNA position 263, T replaced by G.
Protein change: p.Val88Gly; replaces valine 88 with glycine.
Molecular consequence: missense variant. On other transcripts: intron variant (1).
Genome position (GRCh38, 1-based): chr8:18,069,832, A>C on the plus strand (T>G on the coding strand, the complement: ASAH1 is on the minus strand). VCF-style: chr8-18069832-A-C. GRCh37 (hg19) VCF-style: chr8-17927341-A-C.
Other names: c.68T>G, p.Val23Gly (NM_001363743.2); c.311T>G, p.Val104Gly (NM_004315.6); c.285+1468T>G (NM_001127505.3); short protein forms V23G, V104G, V88G.
Identifiers: ClinVar variation 1477145 (VCV001477145.8), dbSNP rs2117056349, ClinGen allele CA370433174.
Genomic context (GRCh38, chr8:18,069,832, plus strand): 5'-TGAGAAATAATATCTCTTACCAATTTTTCATCCACCACCTGCATAATTTTTCCACTTGGC[A>C]CGAATGTATTTATCATATTCTTCAGAGAATTCACTATAACCTTTAGCTGAAAAATAAATA-3'
Protein context (NP_808592.2, residues 78-98): NSLKNMINTF[Val88Gly]PSGKIMQVVD

ClinVar aggregate classification (germline): Uncertain significance (1 of 4 stars; one submission).

Submission:

Labcorp Genetics (formerly Invitae), Labcorp
Classification: Uncertain significance. Last evaluated: 2022-01-27. Review status: criteria provided, single submitter. Criteria: Invitae Variant Classification Sherloc (09022015). Collection method: clinical testing. Allele origin: germline.
Comment: This variant has not been reported in the literature in individuals affected with ASAH1-related conditions. This variant is not present in population databases (gnomAD no frequency). This sequence change replaces valine, which is neutral and non-polar, with glycine, which is neutral and non-polar, at codon 88 of the ASAH1 protein (p.Val88Gly). In summary, the available evidence is currently insufficient to determine the role of this variant in disease. Therefore, it has been classified as a Variant of Uncertain Significance. Algorithms developed to predict the effect of missense changes on protein structure and function are either unavailable or do not agree on the potential impact of this missense change (SIFT: "Deleterious"; PolyPhen-2: "Benign"; Align-GVGD: "Class C25").